The following is an entry in ClinVar:

NM_004415.4(DSP):c.6002T>A (p.Val2001Glu)

Gene: DSP (desmoplakin; plus strand). Cytogenetic location: 6p24.3.
Variant type: single nucleotide variant.
Coding change: c.6002T>A on transcript NM_004415.4 (MANE Select); coding-DNA position 6002, T replaced by A.
Protein change: p.Val2001Glu; replaces valine 2001 with glutamic acid.
Molecular consequence: missense variant.
Genome position (GRCh38, 1-based): chr6:7,583,264, T>A. VCF-style: chr6-7583264-T-A. GRCh37 (hg19) VCF-style: chr6-7583497-T-A.
Other names: c.4205T>A, p.Val1402Glu (NM_001008844.3); c.4673T>A, p.Val1558Glu (NM_001319034.2); c.6002T>A (NM_004415.2); short protein forms V1402E, V1558E, V2001E.
Identifiers: ClinVar variation 1008138 (VCV001008138.17), dbSNP rs926676669, ClinGen allele CA133974074.

ClinVar aggregate classification (germline): Uncertain significance. Review status: criteria provided, multiple submitters, no conflicts (2 of 4 stars). 4 submissions from 4 submitters: Uncertain significance (4). Last evaluated 2026-05-10.

Conditions:
Cardiovascular phenotype. Identifiers: MedGen CN230736.
Arrhythmogenic cardiomyopathy with wooly hair and keratoderma. Also called: Dilated cardiomyopathy with woolly hair and keratoderma; Arrhythmogenic cardiomyopathy with woolly hair and keratoderma; PALMOPLANTAR KERATODERMA WITH LEFT VENTRICULAR CARDIOMYOPATHY AND WOOLLY HAIR; Carvajal syndrome. Identifiers: Orphanet 65282, MedGen C1854063, MONDO:0011581, OMIM 605676.
Arrhythmogenic right ventricular dysplasia 8 (ARVD8). Also called: Arrhythmogenic Right Ventricular Dysplasia/Cardiomyopathy 8; ARRHYTHMOGENIC RIGHT VENTRICULAR DYSPLASIA, FAMILIAL, 8; ARRHYTHMOGENIC RIGHT VENTRICULAR CARDIOMYOPATHY 8. Identifiers: MedGen C1843896, MONDO:0011831, OMIM 607450.
Lethal acantholytic epidermolysis bullosa (EBLA). Identifiers: Orphanet 158687, MedGen C1864826, MONDO:0012323, OMIM 609638.
Keratosis palmoplantaris striata 2. Also called: Keratosis palmoplantaris striata II; KERATODERMA, PALMOPLANTAR, STRIATE FORM II; STRIATE PALMOPLANTAR KERATODERMA II. Identifiers: MedGen C1852127, MONDO:0013034, OMIM 612908.
Woolly hair-skin fragility syndrome (WHSF). Identifiers: Orphanet 293165, MedGen C1843292, MONDO:0957307, OMIM 620415.
Cardiomyopathy, dilated, with wooly hair, keratoderma, and tooth agenesis. Also called: Erythrokeratodermia-cardiomyopathy syndrome; Cardiomyopathy, dilated, with woolly hair, keratoderma, and tooth agenesis. Identifiers: Orphanet 476096, Orphanet 65282, MedGen C4014393, MONDO:0014355, OMIM 615821.

Allele frequency attached by ClinVar (database versions not stated): gnomAD 0.00001.
gnomAD v4.1: 1 of 1,614,078 alleles (0.000062%); highest among the groups gnomAD compares: African/African-American, 0.0013%; no homozygotes.

Submissions (4):

Ambry Genetics
Classification: Uncertain significance for Cardiovascular phenotype. Last evaluated: 2026-05-10. Review status: criteria provided, single submitter. Criteria: Ambry Variant Classification Scheme 2023. Collection method: clinical testing. Allele origin: germline.

Labcorp Genetics (formerly Invitae), Labcorp
Classification: Uncertain significance for Arrhythmogenic cardiomyopathy with wooly hair and keratoderma; Arrhythmogenic right ventricular dysplasia 8. Last evaluated: 2024-12-04. Review status: criteria provided, single submitter. Criteria: Invitae Variant Classification Sherloc (09022015). Collection method: clinical testing. Allele origin: germline.
Comment: This sequence change replaces valine, which is neutral and non-polar, with glutamic acid, which is acidic and polar, at codon 2001 of the DSP protein (p.Val2001Glu). This variant is not present in population databases (gnomAD no frequency). This variant has not been reported in the literature in individuals affected with DSP-related conditions. ClinVar contains an entry for this variant (Variation ID: 1008138). An algorithm developed to predict the effect of missense changes on protein structure and function (PolyPhen-2) suggests that this variant is likely to be tolerated. In summary, the available evidence is currently insufficient to determine the role of this variant in disease. Therefore, it has been classified as a Variant of Uncertain Significance.

All of Us Research Program, National Institutes of Health
Classification: Uncertain significance for Arrhythmogenic cardiomyopathy with wooly hair and keratoderma. Last evaluated: 2023-06-26. Review status: criteria provided, single submitter. Criteria: ACMG Guidelines, 2015. Collection method: clinical testing. Allele origin: germline. Inheritance: Autosomal dominant inheritance. Observed: 1 variant allele, 1 heterozygote.
Comment: This missense variant replaces valine with glutamic acid at codon 2001 of the DSP protein. Computational prediction suggests that this variant may not impact protein structure and function (internally defined REVEL score threshold <= 0.5, PMID: 27666373). To our knowledge, functional studies have not been reported for this variant. This variant has not been reported in individuals affected with DSP-related disorders in the literature. This variant has not been identified in the general population by the Genome Aggregation Database (gnomAD). The available evidence is insufficient to determine the role of this variant in disease conclusively. Therefore, this variant is classified as a Variant of Uncertain Significance.

This study involves interpretation of variants in research participants for the purpose of population health screening. Participant phenotype was not available at the time of variant classification. Additional details can be found in publication PMID: 35346344, PMCID: PMC8962531

Fulgent Genetics
Classification: Uncertain significance for Arrhythmogenic cardiomyopathy with wooly hair and keratoderma; Arrhythmogenic right ventricular dysplasia 8; Lethal acantholytic epidermolysis bullosa; Keratosis palmoplantaris striata 2; Cardiomyopathy, dilated, with wooly hair, keratoderma, and tooth agenesis. Last evaluated: 2021-08-03. Review status: criteria provided, single submitter. Criteria: ACMG Guidelines, 2015. Collection method: clinical testing. Allele origin: unknown.